The following is an entry in ClinVar:

ClinVar aggregate classification (germline): Benign/Likely benign. Review status: criteria provided, multiple submitters, no conflicts (2 of 4 stars). 2 submissions from 2 submitters: Benign (1); Likely benign (1). Last evaluated 2025-04-13.

Conditions:
Familial adenomatous polyposis 1 (FAP1). Also called: POLYPOSIS, ADENOMATOUS INTESTINAL; FAMILIAL ADENOMATOUS POLYPOSIS 1, ATTENUATED. Identifiers: MedGen C2713442, MONDO:0021056, OMIM 175100. Disease mechanism: loss of function.

Submissions (2):

Labcorp Genetics (formerly Invitae), Labcorp
Classification: Likely benign for Familial adenomatous polyposis 1. Last evaluated: 2025-04-13. Review status: criteria provided, single submitter. Criteria: Invitae Variant Classification Sherloc (09022015). Collection method: clinical testing. Allele origin: germline.

Myriad Genetics, Inc.
Classification: Benign for Familial adenomatous polyposis 1. Last evaluated: 2024-03-14. Review status: criteria provided, single submitter. Criteria: Myriad Autosomal Dominant, Autosomal Recessive and X-Linked Classification Criteria (2023). Collection method: clinical testing. Allele origin: unknown.
Comment: This variant is considered benign. This variant is a silent/synonymous amino acid change and it is not expected to impact splicing.

NM_000038.6(APC):c.2496C>T (p.Pro832=)

Gene: APC (APC regulator of Wnt signaling pathway; plus strand). Cytogenetic location: 5q22.2.
Variant type: single nucleotide variant.
Coding change: c.2496C>T on transcript NM_000038.6 (MANE Select); coding-DNA position 2496, C replaced by T.
Protein change: p.Pro832=; no amino-acid change (proline 832 retained).
Molecular consequence: synonymous variant. On other transcripts: non-coding transcript variant (2).
Genome position (GRCh38, 1-based): chr5:112,838,090, C>T. VCF-style: chr5-112838090-C-T. GRCh37 (hg19) VCF-style: chr5-112173787-C-T.
Other names: c.2412C>T, p.Pro804= (NM_001354899.2); c.2373C>T, p.Pro791= (NM_001354900.2); c.2319C>T, p.Pro773= (NM_001354901.2, NM_001407453.1); c.2223C>T, p.Pro741= (NM_001354902.2); c.2193C>T, p.Pro731= (NM_001354903.2, NM_001407458.1, NM_001407459.1 and 1 more transcripts); c.2496C>T, p.Pro832= (NM_001127510.3, NM_001354895.2, NM_001407450.1); c.2442C>T, p.Pro814= (NM_001127511.3); c.2550C>T, p.Pro850= (NM_001354896.2, NM_001407447.1, NM_001407448.1 and 1 more transcripts); and 11 more.
Identifiers: ClinVar variation 3148046 (VCV003148046.2), dbSNP rs2149870996, ClinGen allele CA445962800.